The following is an entry in ClinVar:

ClinVar aggregate classification (germline): Uncertain significance (1 of 4 stars; one submission).

Conditions:
Hypertrophic cardiomyopathy 1 (CMH1). Also called: MYH7-Related Familial Hypertrophic Cardiomyopathy; Familial hypertrophic cardiomyopathy 1. Identifiers: MedGen C3495498, MONDO:0008647, OMIM 192600.

Allele frequency attached by ClinVar (database versions not stated): gnomAD exomes below 0.00001.
gnomAD v4.1: 2 of 1,605,240 alleles (0.00012%); highest among the groups gnomAD compares: Admixed American, 0.0017%; no homozygotes.

Submission:

Labcorp Genetics (formerly Invitae), Labcorp
Classification: Uncertain significance for Hypertrophic cardiomyopathy 1. Last evaluated: 2022-11-08. Review status: criteria provided, single submitter. Criteria: Invitae Variant Classification Sherloc (09022015). Collection method: clinical testing. Allele origin: germline.
Comment: This sequence change replaces alanine, which is neutral and non-polar, with proline, which is neutral and non-polar, at codon 145 of the MYLK2 protein (p.Ala145Pro). This variant is not present in population databases (gnomAD no frequency). This variant has not been reported in the literature in individuals affected with MYLK2-related conditions. Advanced modeling of protein sequence and biophysical properties (such as structural, functional, and spatial information, amino acid conservation, physicochemical variation, residue mobility, and thermodynamic stability) performed at Invitae indicates that this missense variant is not expected to disrupt MYLK2 protein function. In summary, the available evidence is currently insufficient to determine the role of this variant in disease. Therefore, it has been classified as a Variant of Uncertain Significance.

NM_033118.4(MYLK2):c.433G>C (p.Ala145Pro)

Gene: MYLK2 (myosin light chain kinase 2; plus strand). Cytogenetic location: 20q11.21.
Variant type: single nucleotide variant.
Coding change: c.433G>C on transcript NM_033118.4 (MANE Select); coding-DNA position 433, G replaced by C.
Protein change: p.Ala145Pro; replaces alanine 145 with proline.
Molecular consequence: missense variant.
Genome position (GRCh38, 1-based): chr20:31,820,506, G>C. VCF-style: chr20-31820506-G-C. GRCh37 (hg19) VCF-style: chr20-30408309-G-C.
Other names: short protein forms A145P.
Identifiers: ClinVar variation 1971683 (VCV001971683.5), dbSNP rs2515451578, ClinGen allele CA408525586.